The following is an entry in ClinVar:

ClinVar aggregate classification (germline): Pathogenic. Review status: criteria provided, multiple submitters, no conflicts (2 of 4 stars). 4 submissions from 4 submitters: Pathogenic (4). Last evaluated 2025-06-04.

Conditions:
Familial adenomatous polyposis 1 (FAP1). Also called: FAMILIAL ADENOMATOUS POLYPOSIS 1, ATTENUATED; POLYPOSIS, ADENOMATOUS INTESTINAL. Identifiers: MedGen C2713442, MONDO:0021056, OMIM 175100. Disease mechanism: loss of function.
Hereditary cancer-predisposing syndrome. Also called: Hereditary neoplastic syndrome; Tumor predisposition; Hereditary Cancer Syndrome; Neoplastic Syndromes, Hereditary. Identifiers: Orphanet 140162, MedGen C0027672, MeSH D009386, MONDO:0015356.

Submissions (4):

Ambry Genetics
Classification: Pathogenic for Hereditary cancer-predisposing syndrome. Last evaluated: 2025-06-04. Review status: criteria provided, single submitter. Criteria: Ambry Variant Classification Scheme 2023. Collection method: clinical testing. Allele origin: germline.
Comment: The p.Q757* pathogenic mutation (also known as c.2269C>T), located in coding exon 15 of the APC gene, results from a C to T substitution at nucleotide position 2269. This changes the amino acid from a glutamine to a stop codon within coding exon 15. This alteration occurs at the 3' terminus of theAPC gene, is not expected to trigger nonsense-mediated mRNA decay, and impacts the last 73% of the protein. However, premature stop codons are typically deleterious in nature and a significant portion of the protein is affected (Ambry internal data). This variant was reported in individual(s) with features consistent with APC-related familial adenomatous polyposis (Kanter-Smoler G et al. BMC Med. 2008 Apr;6:10; Ambry internal data). This variant is considered to be rare based on population cohorts in the Genome Aggregation Database (gnomAD). Based on the supporting evidence, this variant is interpreted as a disease-causing mutation.

Labcorp Genetics (formerly Invitae), Labcorp
Classification: Pathogenic for Familial adenomatous polyposis 1. Last evaluated: 2025-03-12. Review status: criteria provided, single submitter. Criteria: Invitae Variant Classification Sherloc (09022015). Collection method: clinical testing. Allele origin: germline.
Comment: This sequence change creates a premature translational stop signal (p.Gln757*) in the APC gene. While this is not anticipated to result in nonsense mediated decay, it is expected to disrupt the last 2087 amino acid(s) of the APC protein. This variant is not present in population databases (gnomAD no frequency). This premature translational stop signal has been observed in individual(s) with familial adenomatous polyposis (PMID: 18433509, 25604157). ClinVar contains an entry for this variant (Variation ID: 2584216). This variant disrupts a region of the APC protein in which other variant(s) (p.Tyr2645Lysfs*14) have been determined to be pathogenic (PMID: 1316610, 8381579, 9824584, 22135120, 27081525; internal data). This suggests that this is a clinically significant region of the protein, and that variants that disrupt it are likely to be disease-causing. For these reasons, this variant has been classified as Pathogenic.

Molecular Pathology, Peter Maccallum Cancer Centre
Classification: Pathogenic for Familial adenomatous polyposis 1. Last evaluated: 2024-07-22. Review status: criteria provided, single submitter. Criteria: ACMG Guidelines, 2015. Collection method: clinical testing. Allele origin: germline. Inheritance: Autosomal dominant inheritance.

Myriad Genetics, Inc.
Classification: Pathogenic for Familial adenomatous polyposis 1. Last evaluated: 2023-05-04. Review status: criteria provided, single submitter. Criteria: Myriad Autosomal Dominant, Autosomal Recessive and X-Linked Classification Criteria (2023). Collection method: clinical testing. Allele origin: unknown.
Comment: This variant is considered pathogenic. This variant creates a termination codon and is predicted to result in premature protein truncation.

Literature cited by the submitters: PubMed 18433509 (cited by Ambry Genetics and Labcorp Genetics (formerly Invitae), Labcorp); PubMed 25604157 (cited by Labcorp Genetics (formerly Invitae), Labcorp); PubMed 1316610 (cited by Labcorp Genetics (formerly Invitae), Labcorp); PubMed 8381579 (cited by Labcorp Genetics (formerly Invitae), Labcorp); PubMed 9824584 (cited by Labcorp Genetics (formerly Invitae), Labcorp); PubMed 22135120 (cited by Labcorp Genetics (formerly Invitae), Labcorp); PubMed 27081525 (cited by Labcorp Genetics (formerly Invitae), Labcorp).

NM_000038.6(APC):c.2269C>T (p.Gln757Ter)

Gene: APC (APC regulator of Wnt signaling pathway; plus strand). Cytogenetic location: 5q22.2.
Variant type: single nucleotide variant.
Coding change: c.2269C>T on transcript NM_000038.6 (MANE Select); coding-DNA position 2269, C replaced by T.
Protein change: p.Gln757Ter; replaces glutamine 757 with a stop codon.
Molecular consequence: nonsense. On other transcripts: non-coding transcript variant (2).
Genome position (GRCh38, 1-based): chr5:112,837,863, C>T. VCF-style: chr5-112837863-C-T. GRCh37 (hg19) VCF-style: chr5-112173560-C-T.
Other names: c.2269C>T (NM_000038.5); c.2269C>T, p.Gln757Ter (NM_001127510.3, NM_001354895.2, NM_001407450.1); c.2215C>T, p.Gln739Ter (NM_001127511.3); c.2323C>T, p.Gln775Ter (NM_001354896.2, NM_001407447.1, NM_001407448.1 and 1 more transcripts); c.2299C>T, p.Gln767Ter (NM_001354897.2); c.2194C>T, p.Gln732Ter (NM_001354898.2); c.2185C>T, p.Gln729Ter (NM_001354899.2); c.2146C>T, p.Gln716Ter (NM_001354900.2); and 12 more; short protein forms Q373*, Q474*, Q597*, Q628*, Q631*, Q656*, Q666*, Q674*.
Identifiers: ClinVar variation 2584216 (VCV002584216.6), dbSNP rs2533408880, ClinGen allele CA16026301.